The following is an entry in ClinVar:

NM_001348768.2(HECW2):c.3296A>T (p.Gln1099Leu)

Gene: HECW2 (HECT, C2 and WW domain containing E3 ubiquitin protein ligase 2; minus strand). Cytogenetic location: 2q32.3.
Variant type: single nucleotide variant.
Coding change: c.3296A>T on transcript NM_001348768.2 (MANE Select); coding-DNA position 3296, A replaced by T.
Protein change: p.Gln1099Leu; replaces glutamine 1099 with leucine.
Molecular consequence: missense variant.
Genome position (GRCh38, 1-based): chr2:196,271,232, T>A on the plus strand (A>T on the coding strand, the complement: HECW2 is on the minus strand). VCF-style: chr2-196271232-T-A. GRCh37 (hg19) VCF-style: chr2-197135956-T-A.
Other names: c.2228A>T, p.Gln743Leu (NM_001304840.3); c.3296A>T, p.Gln1099Leu (NM_020760.4); short protein forms Q1099L, Q743L.
Identifiers: ClinVar variation 4882035 (VCV004882035.2).
Genomic context (GRCh38, chr2:196,271,232, plus strand): 5'-AAATACCAATATTATTGTTACCTGAGTGAGTGATTCCTGGTAAGATCAGGTTGACGCTCC[T>A]GTAGAATTTCAAAGATATTGGGTTGACGTAGAAATGCAACAATCTTGTCATTGTAAGCTG-3'
Protein context (NP_001335697.1, residues 1089-1109): LRQPNIFEIL[Gln1099Leu]ERQPDLTRNH

ClinVar aggregate classification (germline): Uncertain significance (1 of 4 stars; one submission).

Conditions:
Neurodevelopmental disorder with hypotonia, seizures, and absent language (NDHSAL). Identifiers: MedGen C4310643, MONDO:0014995, OMIM 617268.

Submission:

Dasa
Classification: Uncertain significance for Neurodevelopmental disorder with hypotonia, seizures, and absent language. Last evaluated: 2026-02-09. Review status: criteria provided, single submitter. Criteria: DASA Assertion Criteria. Collection method: clinical testing. Allele origin: germline.
Comment: NM_001348768.2(HECW2):c.3296A>T (p.Gln1099Leu) is a missense variant that results in the substitution of glutamine with leucine. This variant is absent from population databases. The currently available literature and clinical evidence are not sufficient to establish a definitive association between this variant and the reported condition. Therefore, this variant is classified as a variant of uncertain significance.